The following is an entry in ClinVar:

NM_001166108.2(PALLD):c.470C>T (p.Pro157Leu)

Gene: PALLD (palladin, cytoskeletal associated protein; plus strand). Cytogenetic location: 4q32.3.
Variant type: single nucleotide variant.
Coding change: c.470C>T on transcript NM_001166108.2 (MANE Select); coding-DNA position 470, C replaced by T.
Protein change: p.Pro157Leu; replaces proline 157 with leucine.
Molecular consequence: missense variant.
Genome position (GRCh38, 1-based): chr4:168,511,974, C>T. VCF-style: chr4-168511974-C-T. GRCh37 (hg19) VCF-style: chr4-169433125-C-T.
Other names: c.470C>T, p.Pro157Leu (NM_016081.4); short protein forms P157L.
Identifiers: ClinVar variation 3304030 (VCV003304030.1).

ClinVar aggregate classification (germline): Uncertain significance (1 of 4 stars; one submission).

gnomAD v4.1: 1 of 1,614,196 alleles (0.000062%); highest among the groups gnomAD compares: Non-Finnish European, 0.000085%; no homozygotes.

Submission:

Ambry Genetics
Classification: Uncertain significance. Last evaluated: 2024-04-27. Review status: criteria provided, single submitter. Criteria: Ambry Variant Classification Scheme 2023. Collection method: clinical testing. Allele origin: germline.
Comment: The p.P157L variant (also known as c.470C>T), located in coding exon 1 of the PALLD gene, results from a C to T substitution at nucleotide position 470. The proline at codon 157 is replaced by leucine, an amino acid with similar properties. This amino acid position is conserved. In addition, this alteration is predicted to be tolerated by in silico analysis. Based on the available evidence, the clinical significance of this variant remains unclear.